The following is an entry in ClinVar:

ClinVar aggregate classification (germline): Uncertain significance (1 of 4 stars; one submission).

Submission:

GeneDx
Classification: Uncertain significance. Last evaluated: 2023-06-01. Review status: criteria provided, single submitter. Criteria: GeneDx Variant Classification Process June 2021. Collection method: clinical testing. Allele origin: germline. Affected: yes.
Comment: Not observed at significant frequency in large population cohorts (gnomAD); In silico analysis supports that this missense variant has a deleterious effect on protein structure/function; Has not been previously published as pathogenic or benign to our knowledge

NM_080680.3(COL11A2):c.107G>T (p.Arg36Leu)

Gene: COL11A2 (collagen type XI alpha 2 chain; minus strand). Cytogenetic location: 6p21.32.
Variant type: single nucleotide variant.
Coding change: c.107G>T on transcript NM_080680.3 (MANE Select); coding-DNA position 107, G replaced by T.
Protein change: p.Arg36Leu; replaces arginine 36 with leucine.
Molecular consequence: missense variant. On other transcripts: 5 prime UTR variant (3), non-coding transcript variant (1).
Genome position (GRCh38, 1-based): chr6:33,189,445, C>A on the plus strand (G>T on the coding strand, the complement: COL11A2 is on the minus strand). VCF-style: chr6-33189445-C-A. GRCh37 (hg19) VCF-style: chr6-33157222-C-A.
Other names: c.107G>T, p.Arg36Leu (NM_001163771.2, NM_001424108.1, NM_080679.3 and 1 more transcripts); c.-740G>T (NM_001424109.1, NM_001424110.1, NM_001424111.1); short protein forms R36L.
Identifiers: ClinVar variation 3362018 (VCV003362018.1).